The following is an entry in ClinVar:

NM_153700.2(STRC):c.4593T>C (p.Leu1531=)

Gene: STRC (stereocilin; minus strand). Cytogenetic location: 15q15.3.
Variant type: single nucleotide variant.
Coding change: c.4593T>C on transcript NM_153700.2 (MANE Select); coding-DNA position 4593, T replaced by C.
Protein change: p.Leu1531=; no amino-acid change (leucine 1531 retained).
Molecular consequence: synonymous variant.
Genome position (GRCh38, 1-based): chr15:43,601,504, A>G on the plus strand (T>C on the coding strand, the complement: STRC is on the minus strand). VCF-style: chr15-43601504-A-G. GRCh37 (hg19) VCF-style: chr15-43893702-A-G.
Identifiers: ClinVar variation 504677 (VCV000504677.6), dbSNP rs201633242, ClinGen allele CA7527968.
Genomic context (GRCh38, chr15:43,601,504, plus strand): 5'-CCAGTCCACTAGGATCAGCTCCTGTAGTTCCCGATCTCCTAGACCTATTAAGAGCCTACC[A>G]AGCTGCAGGATCTGCTCAGGACGAAATCCCCGGGGGGGACCCCACAACTAGGAGAAAGAC-3'
Protein context (NP_714544.1, residues 1521-1541): RGFRPEQILQ[Leu1531=]GRLLIGLGDR

ClinVar aggregate classification (germline): Likely benign. Review status: criteria provided, multiple submitters, no conflicts (2 of 4 stars). 2 submissions from 2 submitters: Likely benign (2). Last evaluated 2023-10-04.

Allele frequency attached by ClinVar (database versions not stated): ExAC 0.00005; ESP Exome Variant Server 0.00008; 1000 Genomes Project 30x 0.00016; 1000 Genomes Project 0.00020; gnomAD 0.00035 and 0.00037; TOPMed 0.00063.

Submissions (2):

Blueprint Genetics
Classification: Likely benign. Last evaluated: 2023-10-04. Review status: criteria provided, single submitter. Criteria: ACMG Guidelines, 2015. Collection method: clinical testing. Allele origin: germline.

Laboratory for Molecular Medicine, Mass General Brigham Personalized Medicine
Classification: Likely benign. Last evaluated: 2016-09-22. Review status: criteria provided, single submitter. Criteria: LMM Criteria. Collection method: clinical testing. Allele origin: germline. Observed: 2 variant alleles.
Comment: p.Leu1531Leu in exon 24 of STRC: This variant is not expected to have clinical s ignificance because it does not alter an amino acid residue, is not located with in the splice consensus sequence, and has been identified in 3/66700 European ch romosomes by the Exome Aggregation Consortium (ExAC. org; dbSNP rs201633242).